The following is an entry in ClinVar:

NM_001384474.1(LOXHD1):c.1925A>G (p.Glu642Gly)

Gene: LOXHD1 (lipoxygenase homology PLAT domains 1; minus strand). Cytogenetic location: 18q21.1.
Variant type: single nucleotide variant.
Coding change: c.1925A>G on transcript NM_001384474.1 (MANE Select); coding-DNA position 1925, A replaced by G.
Protein change: p.Glu642Gly; replaces glutamic acid 642 with glycine.
Molecular consequence: missense variant.
Genome position (GRCh38, 1-based): chr18:46,577,752, T>C on the plus strand (A>G on the coding strand, the complement: LOXHD1 is on the minus strand). VCF-style: chr18-46577752-T-C. GRCh37 (hg19) VCF-style: chr18-44157715-T-C.
Other names: c.1925A>G, p.Glu642Gly (NM_144612.7); short protein forms E642G.
Identifiers: ClinVar variation 1522103 (VCV001522103.3), dbSNP rs1329103576, ClinGen allele CA402377968.

ClinVar aggregate classification (germline): Uncertain significance (1 of 4 stars; one submission).

Allele frequency attached by ClinVar (database versions not stated): gnomAD exomes below 0.00001; gnomAD 0.00001; TOPMed 0.00001.
gnomAD v4.1: 5 of 1,551,458 alleles (0.00032%); highest among the groups gnomAD compares: Non-Finnish European, 0.00044%; no homozygotes.

Submission:

Labcorp Genetics (formerly Invitae), Labcorp
Classification: Uncertain significance. Last evaluated: 2021-11-17. Review status: criteria provided, single submitter. Criteria: Invitae Variant Classification Sherloc (09022015). Collection method: clinical testing. Allele origin: germline.
Comment: This sequence change replaces glutamic acid, which is acidic and polar, with glycine, which is neutral and non-polar, at codon 642 of the LOXHD1 protein (p.Glu642Gly). This variant is not present in population databases (gnomAD no frequency). This variant has not been reported in the literature in individuals affected with LOXHD1-related conditions. Algorithms developed to predict the effect of missense changes on protein structure and function are either unavailable or do not agree on the potential impact of this missense change (SIFT: "Deleterious"; PolyPhen-2: "Benign"; Align-GVGD: "Class C0"). In summary, the available evidence is currently insufficient to determine the role of this variant in disease. Therefore, it has been classified as a Variant of Uncertain Significance.